The following is an entry in ClinVar:

ClinVar aggregate classification (germline): Uncertain significance. Review status: criteria provided, multiple submitters, no conflicts (2 of 4 stars). 4 submissions from 4 submitters: Uncertain significance (3). 1 of the submissions does not count toward it. Last evaluated 2025-09-09.

Conditions:
Cardiovascular phenotype. Identifiers: MedGen CN230736.
Ehlers-Danlos syndrome due to tenascin-X deficiency (EDSCLL1). Also called: EDS DUE TO TNX DEFICIENCY; TNX DEFICIENCY; EHLERS-DANLOS SYNDROME, CLASSIC-LIKE; Ehlers-Danlos syndrome, classic-like, 1; TNXB-Related Classical-Like Ehlers-Danlos Syndrome. Identifiers: Orphanet 230839, MedGen C1848029, MONDO:0011670, OMIM 606408.

Allele frequency attached by ClinVar (database versions not stated): gnomAD exomes 0.00006 and 0.00007; TOPMed 0.00006; ExAC 0.00005; gnomAD 0.00006.
gnomAD v4.1: 108 of 1,601,768 alleles (0.0067%); highest among the groups gnomAD compares: African/African-American, 0.016%; no homozygotes.

Submissions (4):

GeneDx
Classification: Uncertain significance. Last evaluated: 2025-09-09. Review status: criteria provided, single submitter. Criteria: GeneDx Variant Classification Process June 2021. Collection method: clinical testing. Allele origin: germline. Affected: yes.
Comment: Has not been previously published as pathogenic or benign to our knowledge; In silico analysis suggests that this missense variant does not alter protein structure/function

Women's Health and Genetics/Laboratory Corporation of America, LabCorp
Classification: Uncertain significance. Last evaluated: 2025-06-26. Review status: criteria provided, single submitter. Criteria: LabCorp Variant Classification Summary - May 2015. Collection method: clinical testing. Allele origin: germline.
Comment: Variant summary: TNXB c.3814G>A (p.Val1272Met) results in a conservative amino acid change in the encoded protein sequence. Algorithms developed to predict the effect of missense changes on protein structure and function all suggest that this variant is likely to be tolerated. The variant allele was found at a frequency of 5.6e-05 in 231100 control chromosomes. This frequency is not significantly higher than estimated for a pathogenic variant in TNXB causing Ehlers-Danlos syndrome due to tenascin-X deficiency (5.6e-05 vs 0.0011), allowing no conclusion about variant significance. To our knowledge, no occurrence of c.3814G>A in individuals affected with Ehlers-Danlos syndrome due to tenascin-X deficiency and no experimental evidence demonstrating its impact on protein function have been reported. ClinVar contains an entry for this variant (Variation ID: 1301475). Based on the evidence outlined above, the variant was classified as uncertain significance.

Ambry Genetics
Classification: Uncertain significance for Cardiovascular phenotype. Last evaluated: 2024-08-19. Review status: criteria provided, single submitter. Criteria: Ambry Variant Classification Scheme 2023. Collection method: clinical testing. Allele origin: germline.
Comment: The p.V1272M variant (also known as c.3814G>A), located in coding exon 9 of the TNXB gene, results from a G to A substitution at nucleotide position 3814. The valine at codon 1272 is replaced by methionine, an amino acid with highly similar properties. This amino acid position is conserved. In addition, this alteration is predicted to be tolerated by in silico analysis. Since supporting evidence is limited at this time, the clinical significance of this alteration remains unclear.

Zotz-Klimas Genetics Lab, MVZ Zotz Klimas
Classification: Uncertain significance for Ehlers-Danlos syndrome due to tenascin-X deficiency. Last evaluated: 2023-10-09. Review status: no assertion criteria provided. Collection method: clinical testing. Allele origin: germline. Affected: yes. Not counted in ClinVar's aggregate classification.

NM_001365276.2(TNXB):c.3814G>A (p.Val1272Met)

Gene: TNXB (tenascin XB; minus strand). Cytogenetic location: 6p21.33.
Variant type: single nucleotide variant.
Coding change: c.3814G>A on transcript NM_001365276.2 (MANE Select); coding-DNA position 3814, G replaced by A.
Protein change: p.Val1272Met; replaces valine 1272 with methionine.
Molecular consequence: missense variant.
Genome position (GRCh38, 1-based): chr6:32,081,596, C>T on the plus strand (G>A on the coding strand, the complement: TNXB is on the minus strand). VCF-style: chr6-32081596-C-T. GRCh37 (hg19) VCF-style: chr6-32049373-C-T.
Other names: c.3814G>A, p.Val1272Met (NM_019105.8); short protein forms V1272M.
Identifiers: ClinVar variation 1301475 (VCV001301475.8), dbSNP rs749925578, ClinGen allele CA3735096.